The following is an entry in ClinVar:

NM_013432.5(TONSL):c.1114G>C (p.Val372Leu)

Gene: TONSL (tonsoku like, DNA repair protein; minus strand). Cytogenetic location: 8q24.3.
Variant type: single nucleotide variant.
Coding change: c.1114G>C on transcript NM_013432.5 (MANE Select); coding-DNA position 1114, G replaced by C.
Protein change: p.Val372Leu; replaces valine 372 with leucine.
Molecular consequence: missense variant.
Genome position (GRCh38, 1-based): chr8:144,440,768, C>G on the plus strand (G>C on the coding strand, the complement: TONSL is on the minus strand). VCF-style: chr8-144440768-C-G. GRCh37 (hg19) VCF-style: chr8-145666151-C-G.
Other names: c.1114G>C (NM_013432.4); short protein forms V372L.
Identifiers: ClinVar variation 1040171 (VCV001040171.5), dbSNP rs149456513, ClinGen allele CA4943389.
Genomic context (GRCh38, chr8:144,440,768, plus strand): 5'-AGGGTTTCACCTCCAGCACGTTGCCGCTGCGCAGCCTCAGTTCCTCCTCATAGTGGCGCA[C>G]GGCCCCATGGTGGTCCTTCATGTCTCCCAGTGTGGTGGCCAGGGACACGTGGATGATGGC-3'
Protein context (NP_038460.4, residues 362-382): LGDMKDHHGA[Val372Leu]RHYEEELRLR

ClinVar aggregate classification (germline): Uncertain significance. Review status: criteria provided, multiple submitters, no conflicts (2 of 4 stars). 3 submissions from 3 submitters: Uncertain significance (3). Last evaluated 2024-12-03.

Conditions:
Inborn genetic diseases. Identifiers: MedGen C0950123, MeSH D030342.

Allele frequency attached by ClinVar (database versions not stated): 1000 Genomes Project 30x 0.00016; 1000 Genomes Project 0.00020; ExAC 0.00023; TOPMed 0.00025.
gnomAD v4.1: 396 of 1,612,904 alleles (0.025%); highest among the groups gnomAD compares: Non-Finnish European, 0.026%; no homozygotes.

Submissions (3):

Labcorp Genetics (formerly Invitae), Labcorp
Classification: Uncertain significance. Last evaluated: 2024-12-03. Review status: criteria provided, single submitter. Criteria: Invitae Variant Classification Sherloc (09022015). Collection method: clinical testing. Allele origin: germline.
Comment: This sequence change replaces valine, which is neutral and non-polar, with leucine, which is neutral and non-polar, at codon 372 of the TONSL protein (p.Val372Leu). This variant is present in population databases (rs149456513, gnomAD 0.1%). This variant has not been reported in the literature in individuals affected with TONSL-related conditions. ClinVar contains an entry for this variant (Variation ID: 1040171). Invitae Evidence Modeling of protein sequence and biophysical properties (such as structural, functional, and spatial information, amino acid conservation, physicochemical variation, residue mobility, and thermodynamic stability) indicates that this missense variant is not expected to disrupt TONSL protein function with a negative predictive value of 80%. In summary, the available evidence is currently insufficient to determine the role of this variant in disease. Therefore, it has been classified as a Variant of Uncertain Significance.

Ambry Genetics
Classification: Uncertain significance for Inborn genetic diseases. Last evaluated: 2024-11-15. Review status: criteria provided, single submitter. Criteria: Ambry Variant Classification Scheme 2023. Collection method: clinical testing. Allele origin: germline.

Blueprint Genetics
Classification: Uncertain significance. Last evaluated: 2024-10-14. Review status: criteria provided, single submitter. Criteria: ACMG Guidelines, 2015. Collection method: clinical testing. Allele origin: germline.